The following is an entry in ClinVar:

ClinVar aggregate classification (germline): Uncertain significance (1 of 4 stars; one submission).

Submission:

Labcorp Genetics (formerly Invitae), Labcorp
Classification: Uncertain significance. Last evaluated: 2022-07-20. Review status: criteria provided, single submitter. Criteria: Invitae Variant Classification Sherloc (09022015). Collection method: clinical testing. Allele origin: germline.
Comment: This variant has not been reported in the literature in individuals affected with CDH23-related conditions. In summary, the available evidence is currently insufficient to determine the role of this variant in disease. Therefore, it has been classified as a Variant of Uncertain Significance. Algorithms developed to predict the effect of missense changes on protein structure and function are either unavailable or do not agree on the potential impact of this missense change (SIFT: "Deleterious"; PolyPhen-2: "Not Available"; Align-GVGD: "Class C15"). This variant is not present in population databases (gnomAD no frequency). This sequence change replaces glycine, which is neutral and non-polar, with valine, which is neutral and non-polar, at codon 568 of the CDH23 protein (p.Gly568Val).

NM_022124.6(CDH23):c.1703G>T (p.Gly568Val)

Gene: CDH23 (cadherin related 23; plus strand). Cytogenetic location: 10q22.1.
Variant type: single nucleotide variant.
Coding change: c.1703G>T on transcript NM_022124.6 (MANE Select); coding-DNA position 1703, G replaced by T.
Protein change: p.Gly568Val; replaces glycine 568 with valine.
Molecular consequence: missense variant.
Genome position (GRCh38, 1-based): chr10:71,677,644, G>T. VCF-style: chr10-71677644-G-T. GRCh37 (hg19) VCF-style: chr10-73437401-G-T.
Other names: c.1703G>T, p.Gly568Val (NM_001171930.2, NM_001171931.2); short protein forms G568V.
Identifiers: ClinVar variation 2144692 (VCV002144692.4), dbSNP rs2493938910, ClinGen allele CA377130661.
Genomic context (GRCh38, chr10:71,677,644, plus strand): 5'-GGATCAATGTGTTGGATGTCAACGACAACGTGCCCACCTTCCAGAAGGATGCCTACGTGG[G>T]TGCTCTGCGGGAGAACGAGCCTTCTGTCACACAGCTGGTGCGGCTCCGGGTAAGGTGCCA-3'
Protein context (NP_071407.4, residues 558-578): VPTFQKDAYV[Gly568Val]ALRENEPSVT